The following is an entry in ClinVar:

NM_024642.5(GALNT12):c.824A>T (p.Gln275Leu)

Gene: GALNT12 (polypeptide N-acetylgalactosaminyltransferase 12; plus strand). Cytogenetic location: 9q22.33.
Variant type: single nucleotide variant.
Coding change: c.824A>T on transcript NM_024642.5 (MANE Select); coding-DNA position 824, A replaced by T.
Protein change: p.Gln275Leu; replaces glutamine 275 with leucine.
Molecular consequence: missense variant.
Genome position (GRCh38, 1-based): chr9:98,831,864, A>T. VCF-style: chr9-98831864-A-T. GRCh37 (hg19) VCF-style: chr9-101594146-A-T.
Other names: short protein forms Q275L.
Identifiers: ClinVar variation 3227966 (VCV003227966.1), dbSNP rs2490517732, ClinGen allele CA374218087.

ClinVar aggregate classification (germline): Uncertain significance (1 of 4 stars; one submission).

Submission:

Ambry Genetics
Classification: Uncertain significance. Last evaluated: 2023-10-20. Review status: criteria provided, single submitter. Criteria: Ambry Variant Classification Scheme 2023. Collection method: clinical testing. Allele origin: germline.
Comment: The p.Q275L variant (also known as c.824A>T), located in coding exon 4 of the GALNT12 gene, results from an A to T substitution at nucleotide position 824. The glutamine at codon 275 is replaced by leucine, an amino acid with dissimilar properties. This amino acid position is conserved. In addition, the in silico prediction for this alteration is inconclusive. Since supporting evidence is limited at this time, the clinical significance of this alteration remains unclear.